The following is an entry in ClinVar:

NM_001367823.1(ARHGEF18):c.2275C>A (p.Gln759Lys)

Gene: ARHGEF18 (Rho/Rac guanine nucleotide exchange factor 18; plus strand). Cytogenetic location: 19p13.2.
Variant type: single nucleotide variant.
Coding change: c.2275C>A on transcript NM_001367823.1 (MANE Select); coding-DNA position 2275, C replaced by A.
Protein change: p.Gln759Lys; replaces glutamine 759 with lysine.
Molecular consequence: missense variant.
Genome position (GRCh38, 1-based): chr19:7,458,605, C>A. VCF-style: chr19-7458605-C-A. GRCh37 (hg19) VCF-style: chr19-7523491-C-A.
Other names: c.1549C>A, p.Gln517Lys (NM_001130955.2); c.1237C>A, p.Gln413Lys (NM_001367824.1, NM_015318.4); short protein forms Q413K, Q517K, Q759K.
Identifiers: ClinVar variation 1507611 (VCV001507611.6), dbSNP rs1351064692, ClinGen allele CA403118072.

ClinVar aggregate classification (germline): Uncertain significance (1 of 4 stars; one submission).

Submission:

Labcorp Genetics (formerly Invitae), Labcorp
Classification: Uncertain significance. Last evaluated: 2021-10-14. Review status: criteria provided, single submitter. Criteria: Invitae Variant Classification Sherloc (09022015). Collection method: clinical testing. Allele origin: germline.
Comment: Algorithms developed to predict the effect of missense changes on protein structure and function output the following: SIFT: "Tolerated"; PolyPhen-2: "Benign"; Align-GVGD: "Class C0". The lysine amino acid residue is found in multiple mammalian species, which suggests that this missense change does not adversely affect protein function. In summary, the available evidence is currently insufficient to determine the role of this variant in disease. Therefore, it has been classified as a Variant of Uncertain Significance. This variant has not been reported in the literature in individuals affected with ARHGEF18-related conditions. This variant is not present in population databases (ExAC no frequency). This sequence change replaces glutamine with lysine at codon 571 of the ARHGEF18 protein (p.Gln571Lys). The glutamine residue is moderately conserved and there is a small physicochemical difference between glutamine and lysine.